The following is an entry in ClinVar:

ClinVar aggregate classification (germline): Uncertain significance. Review status: criteria provided, multiple submitters, no conflicts (2 of 4 stars). 3 submissions from 3 submitters: Uncertain significance (3). Last evaluated 2023-01-26.

Conditions:
Bethlem myopathy 1A. Also called: Bethlem Muscular Dystrophy; Bethlem myopathy 1; MYOPATHY, BENIGN CONGENITAL, WITH CONTRACTURES. Identifiers: Orphanet 610, MedGen CN029274, MONDO:0024530, OMIM 158810.

Allele frequency attached by ClinVar (database versions not stated): TOPMed below 0.00001.
gnomAD v4.1: 8 of 1,614,196 alleles (0.0005%); no homozygotes.

Submissions (3):

Blueprint Genetics
Classification: Uncertain significance. Last evaluated: 2023-01-26. Review status: criteria provided, single submitter. Criteria: ACMG Guidelines, 2015. Collection method: clinical testing. Allele origin: germline.

Labcorp Genetics (formerly Invitae), Labcorp
Classification: Uncertain significance for Bethlem myopathy 1A. Last evaluated: 2022-08-09. Review status: criteria provided, single submitter. Criteria: Invitae Variant Classification Sherloc (09022015). Collection method: clinical testing. Allele origin: germline.
Comment: In summary, the available evidence is currently insufficient to determine the role of this variant in disease. Therefore, it has been classified as a Variant of Uncertain Significance. Advanced modeling of protein sequence and biophysical properties (such as structural, functional, and spatial information, amino acid conservation, physicochemical variation, residue mobility, and thermodynamic stability) performed at Invitae indicates that this missense variant is not expected to disrupt COL6A3 protein function. ClinVar contains an entry for this variant (Variation ID: 476540). This variant has not been reported in the literature in individuals affected with COL6A3-related conditions. This variant is not present in population databases (gnomAD no frequency). This sequence change replaces valine, which is neutral and non-polar, with isoleucine, which is neutral and non-polar, at codon 1932 of the COL6A3 protein (p.Val1932Ile).

Eurofins Ntd Llc (ga)
Classification: Uncertain significance. Last evaluated: 2017-08-22. Review status: criteria provided, single submitter. Criteria: EGL Classification Definitions 2015. Collection method: clinical testing. Allele origin: germline. Observed: 1 variant allele, 1 heterozygote.

NM_004369.4(COL6A3):c.5794G>A (p.Val1932Ile)

Gene: COL6A3 (collagen type VI alpha 3 chain; minus strand). Cytogenetic location: 2q37.3.
Variant type: single nucleotide variant.
Coding change: c.5794G>A on transcript NM_004369.4 (MANE Select); coding-DNA position 5794, G replaced by A.
Protein change: p.Val1932Ile; replaces valine 1932 with isoleucine.
Molecular consequence: missense variant.
Genome position (GRCh38, 1-based): chr2:237,365,742, C>T on the plus strand (G>A on the coding strand, the complement: COL6A3 is on the minus strand). VCF-style: chr2-237365742-C-T. GRCh37 (hg19) VCF-style: chr2-238274385-C-T.
Other names: c.3973G>A, p.Val1325Ile (NM_057166.5); c.5176G>A, p.Val1726Ile (NM_057167.4); short protein forms V1932I, V1325I, V1726I.
Identifiers: ClinVar variation 476540 (VCV000476540.15), dbSNP rs113817270, ClinGen allele CA67813407.